The following is an entry in ClinVar:

ClinVar aggregate classification (germline): Pathogenic (1 of 4 stars; one submission).

Conditions:
Hereditary nonpolyposis colorectal neoplasms. Identifiers: MedGen C0009405, MeSH D003123.

Submission:

Labcorp Genetics (formerly Invitae), Labcorp
Classification: Pathogenic for Hereditary nonpolyposis colorectal neoplasms. Last evaluated: 2021-06-26. Review status: criteria provided, single submitter. Criteria: Invitae Variant Classification Sherloc (09022015). Collection method: clinical testing. Allele origin: germline.
Comment: For these reasons, this variant has been classified as Pathogenic. This variant has not been reported in the literature in individuals with MSH6-related conditions. This variant is not present in population databases (ExAC no frequency). This sequence change creates a premature translational stop signal (p.Ile1170*) in the MSH6 gene. It is expected to result in an absent or disrupted protein product. Loss-of-function variants in MSH6 are known to be pathogenic (PMID: 18269114, 24362816).

Literature cited by the submitters: PubMed 18269114; PubMed 24362816.

NM_000179.3(MSH6):c.3508_3509del (p.Pro1169_Ile1170insTer)

Gene: MSH6 (mutS homolog 6; plus strand). Cytogenetic location: 2p16.3.
Variant type: Deletion.
Coding change: c.3508_3509del on transcript NM_000179.3 (MANE Select); coding-DNA positions 3508 to 3509, 2 bases deleted (AT; older notation c.3508_3509delAT).
Protein change: p.Pro1169_Ile1170insTer.
Molecular consequence: nonsense.
Genome position (GRCh38, 1-based): chr2:47,804,979-47,804,980, AT deleted. VCF-style (leftmost placement, unchanged base first): chr2-47804978-AAT-A. GRCh37 (hg19) VCF-style: chr2-48032117-AAT-A.
Other names: c.3118_3119del, p.Pro1039_Ile1040insTer (NM_001281492.2); c.2602_2603del, p.Pro867_Ile868insTer (NM_001281493.2, NM_001281494.2).
Identifiers: ClinVar variation 1437645 (VCV001437645.6), dbSNP rs2104507605, ClinGen allele CA2573134741.
Genomic context (GRCh38, chr2:47,804,978, plus strand): 5'-ATTAGCTGTAATGGCCCAGATGGGTTGTTACGTCCCTGCTGAAGTGTGCAGGCTCACACC[AAT>A]TGATAGAGTGTTTACTAGACTTGGTGCCTCAGACAGAATAATGTCAGGTGAGTTTTTTGT-3'